The following is an entry in ClinVar:

ClinVar aggregate classification (germline): Uncertain significance (1 of 4 stars; one submission).

Allele frequency attached by ClinVar (database versions not stated): ExAC 0.00001; gnomAD 0.00001; gnomAD exomes 0.00001; TOPMed 0.00002.
gnomAD v4.1: 8 of 1,612,432 alleles (0.0005%); highest among the groups gnomAD compares: Admixed American, 0.012%; no homozygotes.

Submission:

Labcorp Genetics (formerly Invitae), Labcorp
Classification: Uncertain significance. Last evaluated: 2024-01-08. Review status: criteria provided, single submitter. Criteria: Invitae Variant Classification Sherloc (09022015). Collection method: clinical testing. Allele origin: germline.
Comment: This sequence change replaces aspartic acid, which is acidic and polar, with asparagine, which is neutral and polar, at codon 96 of the LRRC56 protein (p.Asp96Asn). This variant is present in population databases (rs776703276, gnomAD 0.01%). This variant has not been reported in the literature in individuals affected with LRRC56-related conditions. ClinVar contains an entry for this variant (Variation ID: 1899195). Advanced modeling of protein sequence and biophysical properties (such as structural, functional, and spatial information, amino acid conservation, physicochemical variation, residue mobility, and thermodynamic stability) performed at Invitae indicates that this missense variant is not expected to disrupt LRRC56 protein function with a negative predictive value of 80%. In summary, the available evidence is currently insufficient to determine the role of this variant in disease. Therefore, it has been classified as a Variant of Uncertain Significance.

NM_198075.4(LRRC56):c.286G>A (p.Asp96Asn)

Gene: LRRC56 (leucine rich repeat containing 56; plus strand). Cytogenetic location: 11p15.5.
Variant type: single nucleotide variant.
Coding change: c.286G>A on transcript NM_198075.4 (MANE Select); coding-DNA position 286, G replaced by A.
Protein change: p.Asp96Asn; replaces aspartic acid 96 with asparagine.
Molecular consequence: missense variant.
Genome position (GRCh38, 1-based): chr11:544,740, G>A. VCF-style: chr11-544740-G-A. GRCh37 (hg19) VCF-style: chr11-544740-G-A.
Other names: short protein forms D96N.
Identifiers: ClinVar variation 1899195 (VCV001899195.5), dbSNP rs776703276, ClinGen allele CA5779619.